The following is an entry in ClinVar:

NM_206933.4(USH2A):c.3409G>A (p.Val1137Ile)

Genes: USH2A (usherin; minus strand), USH2A-AS1 (USH2A antisense RNA 1; plus strand). Cytogenetic location: 1q41.
Variant type: single nucleotide variant.
Coding change: c.3409G>A on transcript NM_206933.4 (MANE Select); coding-DNA position 3409, G replaced by A.
Protein change: p.Val1137Ile; replaces valine 1137 with isoleucine.
Molecular consequence: missense variant.
Genome position (GRCh38, 1-based): chr1:216,200,029, C>T on the plus strand (G>A on the coding strand, the complement: USH2A is on the minus strand). VCF-style: chr1-216200029-C-T. GRCh37 (hg19) VCF-style: chr1-216373371-C-T.
Other names: c.3409G>A, p.Val1137Ile (NM_007123.6); short protein forms V1137I.
Identifiers: ClinVar variation 991451 (VCV000991451.8), dbSNP rs914071757, ClinGen allele CA37504940.
Genomic context (GRCh38, chr1:216,200,029, plus strand): 5'-TATAACTTAAAGTCAAGTTTCCCTCTGGGACCCCTGGTTTTGTCTTGTAAGTGACAGCTA[C>T]ACTCCTTGTTGAACCATGCACATTGGTGGTCTCAATGTAATAGGAATATTTGGTATATGG-3'
Protein context (NP_996816.3, residues 1127-1147): TTNVHGSTRS[Val1137Ile]AVTYKTKPGV

ClinVar aggregate classification (germline): Uncertain significance. Review status: criteria provided, single submitter (1 of 4 stars). 2 submissions from 2 submitters: Uncertain significance (1). 1 of the submissions does not count toward it. Last evaluated 2025-05-06.

Conditions:
Usher syndrome type 2A. Also called: RETINAL DISEASE IN USHER SYNDROME TYPE IIA, MODIFIER OF; USHER SYNDROME, TYPE IIA. Identifiers: Orphanet 231178, Orphanet 886, MedGen C1848634, MONDO:0010169, OMIM 276901.

Allele frequency attached by ClinVar (database versions not stated): gnomAD exomes below 0.00001 and 0.00001; TOPMed below 0.00001.
gnomAD v4.1: 5 of 1,613,916 alleles (0.00031%); highest among the groups gnomAD compares: Admixed American, 0.0033%; no homozygotes.

Submissions (2):

Labcorp Genetics (formerly Invitae), Labcorp
Classification: Uncertain significance. Last evaluated: 2025-05-06. Review status: criteria provided, single submitter. Criteria: Invitae Variant Classification Sherloc (09022015). Collection method: clinical testing. Allele origin: germline.
Comment: This sequence change replaces valine, which is neutral and non-polar, with isoleucine, which is neutral and non-polar, at codon 1137 of the USH2A protein (p.Val1137Ile). This variant is present in population databases (no rsID available, gnomAD 0.003%). This variant has not been reported in the literature in individuals affected with USH2A-related conditions. ClinVar contains an entry for this variant (Variation ID: 991451). Invitae Evidence Modeling of protein sequence and biophysical properties (such as structural, functional, and spatial information, amino acid conservation, physicochemical variation, residue mobility, and thermodynamic stability) indicates that this missense variant is not expected to disrupt USH2A protein function with a negative predictive value of 95%. In summary, the available evidence is currently insufficient to determine the role of this variant in disease. Therefore, it has been classified as a Variant of Uncertain Significance.

Natera, Inc.
Classification: Uncertain significance for Usher syndrome type 2A. Last evaluated: 2020-08-16. Review status: no assertion criteria provided. Collection method: clinical testing. Allele origin: germline. Not counted in ClinVar's aggregate classification.